The following is an entry in ClinVar:

NM_016122.3(CEP83):c.2098G>A (p.Gly700Arg)

Gene: CEP83 (centrosomal protein 83; minus strand). Cytogenetic location: 12q22.
Variant type: single nucleotide variant.
Coding change: c.2098G>A on transcript NM_016122.3 (MANE Select); coding-DNA position 2098, G replaced by A.
Protein change: p.Gly700Arg; replaces glycine 700 with arginine.
Molecular consequence: missense variant. On other transcripts: non-coding transcript variant (2).
Genome position (GRCh38, 1-based): chr12:94,308,821, C>T on the plus strand (G>A on the coding strand, the complement: CEP83 is on the minus strand). VCF-style: chr12-94308821-C-T. GRCh37 (hg19) VCF-style: chr12-94702597-C-T.
Other names: c.2098G>A, p.Gly700Arg (NM_001042399.2, NM_001346457.2, NM_001368037.1 and 1 more transcripts); c.1786G>A, p.Gly596Arg (NM_001346458.2, NM_001346459.2, NM_001368039.1 and 1 more transcripts); c.1873G>A, p.Gly625Arg (NM_001368041.1); short protein forms G596R, G700R, G625R.
Identifiers: ClinVar variation 845600 (VCV000845600.10), dbSNP rs753799181, ClinGen allele CA6721468.

ClinVar aggregate classification (germline): Uncertain significance. Review status: criteria provided, multiple submitters, no conflicts (2 of 4 stars). 2 submissions from 2 submitters: Uncertain significance (2). Last evaluated 2025-05-12.

Conditions:
Inborn genetic diseases. Identifiers: MedGen C0950123, MeSH D030342.
Nephronophthisis 18 (NPHP18). Identifiers: Orphanet 655, MedGen C3890591, MONDO:0014374, OMIM 615862.

Allele frequency attached by ClinVar (database versions not stated): ExAC 0.00004; TOPMed 0.00008.
gnomAD v4.1: 27 of 1,606,690 alleles (0.0017%); highest among the groups gnomAD compares: African/African-American, 0.021%; no homozygotes.

Submissions (2):

Labcorp Genetics (formerly Invitae), Labcorp
Classification: Uncertain significance for Nephronophthisis 18. Last evaluated: 2025-05-12. Review status: criteria provided, single submitter. Criteria: Invitae Variant Classification Sherloc (09022015). Collection method: clinical testing. Allele origin: germline.
Comment: This sequence change replaces glycine, which is neutral and non-polar, with arginine, which is basic and polar, at codon 700 of the CEP83 protein (p.Gly700Arg). This variant is present in population databases (rs753799181, gnomAD 0.03%). This variant has not been reported in the literature in individuals affected with CEP83-related conditions. ClinVar contains an entry for this variant (Variation ID: 845600). An algorithm developed to predict the effect of missense changes on protein structure and function (PolyPhen-2) suggests that this variant is likely to be disruptive. In summary, the available evidence is currently insufficient to determine the role of this variant in disease. Therefore, it has been classified as a Variant of Uncertain Significance.

Ambry Genetics
Classification: Uncertain significance for Inborn genetic diseases. Last evaluated: 2024-08-19. Review status: criteria provided, single submitter. Criteria: Ambry Variant Classification Scheme 2023. Collection method: clinical testing. Allele origin: germline.